The following is an entry in ClinVar:

NM_001367624.2(ZNF469):c.812T>A (p.Val271Asp)

Gene: ZNF469 (zinc finger protein 469; plus strand). Cytogenetic location: 16q24.2.
Variant type: single nucleotide variant.
Coding change: c.812T>A on transcript NM_001367624.2 (MANE Select); coding-DNA position 812, T replaced by A.
Protein change: p.Val271Asp; replaces valine 271 with aspartic acid.
Molecular consequence: missense variant.
Genome position (GRCh38, 1-based): chr16:88,428,282, T>A. VCF-style: chr16-88428282-T-A. GRCh37 (hg19) VCF-style: chr16-88494690-T-A.
Other names: NM_001127464.1:c.812T>A; short protein forms V271D.
Identifiers: ClinVar variation 1762128 (VCV001762128.2), dbSNP rs985569633, ClinGen allele CA397062005.

ClinVar aggregate classification (germline): Uncertain significance (1 of 4 stars; one submission).

Conditions:
Cardiovascular phenotype. Identifiers: MedGen CN230736.

gnomAD v4.1: 1 of 1,549,984 alleles (0.000065%); highest among the groups gnomAD compares: Non-Finnish European, 0.000087%; no homozygotes.

Submission:

Ambry Genetics
Classification: Uncertain significance for Cardiovascular phenotype. Last evaluated: 2019-10-31. Review status: criteria provided, single submitter. Criteria: Ambry Variant Classification Scheme 2023. Collection method: clinical testing. Allele origin: germline.
Comment: The p.V271D variant (also known as c.812T>A), located in coding exon 1 of the ZNF469 gene, results from a T to A substitution at nucleotide position 812. The valine at codon 271 is replaced by aspartic acid, an amino acid with highly dissimilar properties. This amino acid position is not well conserved in available vertebrate species. In addition, this alteration is predicted to be tolerated by in silico analysis. Since supporting evidence is limited at this time, the clinical significance of this alteration remains unclear.